The following is an entry in ClinVar:

NM_015375.3(DSTYK):c.54CGG[3] (p.Gly22del)

Gene: DSTYK (dual serine/threonine and tyrosine protein kinase; minus strand). Cytogenetic location: 1q32.1.
Variant type: Microsatellite.
Coding change: c.54CGG[3] on transcript NM_015375.3 (MANE Select); three copies in a row of the 3-base unit CGG starting at c.54; the reference has four copies in a row; one copy, 3 bases deleted.
Protein change: p.Gly22del; deletes glycine 22.
Genome position (GRCh38, 1-based): chr1:205,211,471-205,211,473, CCG deleted on the plus strand (CGG on the coding strand, the reverse complement: DSTYK is on the minus strand); deleting any 3 consecutive bases within chr1:205,211,471-205,211,482 gives the same sequence; the position shown is the placement nearest the transcript's 3' end. VCF-style (leftmost placement, unchanged base first): chr1-205211470-TCCG-T. GRCh37 (hg19) VCF-style: chr1-205180598-TCCG-T.
Other names: c.54CGG[3], p.Gly22del (NM_199462.3); short protein forms G22del.
Identifiers: ClinVar variation 3771639 (VCV003771639.13).

ClinVar aggregate classification (germline): Uncertain significance (1 of 4 stars; one submission).

Submission:

CeGaT Center for Human Genetics Tuebingen
Classification: Uncertain significance. Last evaluated: 2024-12-01. Review status: criteria provided, single submitter. Criteria: CeGaT Center For Human Genetics Tuebingen Variant Classification Criteria Version 2. Collection method: clinical testing. Allele origin: germline. Affected: yes. Observed: 1 variant allele.
Comment: DSTYK: PM2